The following is an entry in ClinVar:

NM_001042492.3(NF1):c.5865T>C (p.Asn1955=)

Gene: NF1 (neurofibromin 1; plus strand). Cytogenetic location: 17q11.2.
Variant type: single nucleotide variant.
Coding change: c.5865T>C on transcript NM_001042492.3 (MANE Select); coding-DNA position 5865, T replaced by C.
Protein change: p.Asn1955=; no amino-acid change (asparagine 1955 retained).
Molecular consequence: synonymous variant.
Genome position (GRCh38, 1-based): chr17:31,334,890, T>C. VCF-style: chr17-31334890-T-C. GRCh37 (hg19) VCF-style: chr17-29661908-T-C.
Other names: c.5802T>C, p.Asn1934= (NM_000267.4).
Identifiers: ClinVar variation 215721 (VCV000215721.11), dbSNP rs863224356, ClinGen allele CA338931.

ClinVar aggregate classification (germline): Benign/Likely benign. Review status: criteria provided, multiple submitters, no conflicts (2 of 4 stars). 3 submissions from 3 submitters: Benign (1); Likely benign (2). Last evaluated 2026-05-20.

Conditions:
Hereditary cancer-predisposing syndrome. Also called: Tumor predisposition; Hereditary neoplastic syndrome; Neoplastic Syndromes, Hereditary; Hereditary Cancer Syndrome. Identifiers: Orphanet 140162, MedGen C0027672, MeSH D009386, MONDO:0015356.
Cardiovascular phenotype. Identifiers: MedGen CN230736.
Neurofibromatosis, type 1 (NF1). Also called: Neurofibromatosis, type I; NEUROFIBROMATOSIS, TYPE I, SOMATIC; VON RECKLINGHAUSEN DISEASE; Peripheral type neurofibromatosis. Identifiers: Orphanet 636, MedGen C0027831, MONDO:0018975, OMIM 162200. Disease mechanism: loss of function.

Allele frequency attached by ClinVar (database versions not stated): gnomAD exomes below 0.00001.
gnomAD v4.1: 1 of 1,614,026 alleles (0.000062%); highest among the groups gnomAD compares: South Asian, 0.0011%; no homozygotes.

Submissions (3):

Myriad Genetics, Inc.
Classification: Benign for Neurofibromatosis, type 1. Last evaluated: 2026-05-20. Review status: criteria provided, single submitter. Criteria: Myriad Autosomal Dominant, Autosomal Recessive and X-Linked Classification Criteria (2023). Collection method: clinical testing. Allele origin: unknown.
Comment: This variant is considered benign. This variant is a silent/synonymous amino acid change and it is not expected to impact splicing.

Labcorp Genetics (formerly Invitae), Labcorp
Classification: Likely benign for Neurofibromatosis, type 1. Last evaluated: 2024-10-28. Review status: criteria provided, single submitter. Criteria: Invitae Variant Classification Sherloc (09022015). Collection method: clinical testing. Allele origin: germline.

Ambry Genetics
Classification: Likely benign for Cardiovascular phenotype; Hereditary cancer-predisposing syndrome. Last evaluated: 2022-02-15. Review status: criteria provided, single submitter. Criteria: Ambry Variant Classification Scheme 2023. Collection method: clinical testing. Allele origin: germline.